The following is an entry in ClinVar:

ClinVar aggregate classification (germline): Uncertain significance (1 of 4 stars; one submission).

Allele frequency attached by ClinVar (database versions not stated): gnomAD exomes below 0.00001 and 0.00003; TOPMed 0.00003; gnomAD 0.00004.
gnomAD v4.1: 13 of 1,458,862 alleles (0.00089%); highest among the groups gnomAD compares: Admixed American, 0.018%; no homozygotes.

Submission:

Labcorp Genetics (formerly Invitae), Labcorp
Classification: Uncertain significance. Last evaluated: 2022-07-09. Review status: criteria provided, single submitter. Criteria: Invitae Variant Classification Sherloc (09022015). Collection method: clinical testing. Allele origin: germline.
Comment: This sequence change replaces aspartic acid, which is acidic and polar, with glycine, which is neutral and non-polar, at codon 478 of the SPEG protein (p.Asp478Gly). The frequency data for this variant in the population databases is considered unreliable, as metrics indicate poor data quality at this position in the gnomAD database. This variant has not been reported in the literature in individuals affected with SPEG-related conditions. ClinVar contains an entry for this variant (Variation ID: 1379489). Advanced modeling of protein sequence and biophysical properties (such as structural, functional, and spatial information, amino acid conservation, physicochemical variation, residue mobility, and thermodynamic stability) performed at Invitae indicates that this missense variant is expected to disrupt SPEG protein function. In summary, the available evidence is currently insufficient to determine the role of this variant in disease. Therefore, it has been classified as a Variant of Uncertain Significance.

NM_005876.5(SPEG):c.1433A>G (p.Asp478Gly)

Gene: SPEG (striated muscle enriched protein kinase; plus strand). Cytogenetic location: 2q35.
Variant type: single nucleotide variant.
Coding change: c.1433A>G on transcript NM_005876.5 (MANE Select); coding-DNA position 1433, A replaced by G.
Protein change: p.Asp478Gly; replaces aspartic acid 478 with glycine.
Molecular consequence: missense variant.
Genome position (GRCh38, 1-based): chr2:219,448,591, A>G. VCF-style: chr2-219448591-A-G. GRCh37 (hg19) VCF-style: chr2-220313313-A-G.
Other names: short protein forms D478G.
Identifiers: ClinVar variation 1379489 (VCV001379489.6), dbSNP rs1384664709, ClinGen allele CA350719719.